The following is an entry in ClinVar:

ClinVar aggregate classification (germline): Uncertain significance. Review status: criteria provided, multiple submitters, no conflicts (2 of 4 stars). 2 submissions from 2 submitters: Uncertain significance (2). Last evaluated 2025-02-08.

Conditions:
Inborn genetic diseases. Identifiers: MedGen C0950123, MeSH D030342.
Focal segmental glomerulosclerosis 5 (FSGS5). Identifiers: Orphanet 656, MedGen C2750475, MONDO:0013191, OMIM 613237.
Charcot-Marie-Tooth disease dominant intermediate E. Also called: CHARCOT-MARIE-TOOTH NEUROPATHY WITH FOCAL SEGMENTAL GLOMERULONEPHRITIS. Identifiers: Orphanet 93114, MedGen C4302667, MONDO:0013758, OMIM 614455.

Submissions (2):

Labcorp Genetics (formerly Invitae), Labcorp
Classification: Uncertain significance for Charcot-Marie-Tooth disease dominant intermediate E; Focal segmental glomerulosclerosis 5. Last evaluated: 2025-02-08. Review status: criteria provided, single submitter. Criteria: Invitae Variant Classification Sherloc (09022015). Collection method: clinical testing. Allele origin: germline.
Comment: This sequence change replaces serine, which is neutral and polar, with asparagine, which is neutral and polar, at codon 135 of the INF2 protein (p.Ser135Asn). Information on the frequency of this variant in the gnomAD database is not available, as this variant may be reported differently in the database. This variant has not been reported in the literature in individuals affected with INF2-related conditions. ClinVar contains an entry for this variant (Variation ID: 2622235). An algorithm developed to predict the effect of missense changes on protein structure and function (PolyPhen-2) suggests that this variant is likely to be disruptive. In summary, the available evidence is currently insufficient to determine the role of this variant in disease. Therefore, it has been classified as a Variant of Uncertain Significance.

Ambry Genetics
Classification: Uncertain significance for Inborn genetic diseases. Last evaluated: 2023-09-01. Review status: criteria provided, single submitter. Criteria: Ambry Variant Classification Scheme 2023. Collection method: clinical testing. Allele origin: germline.
Comment: The c.403_404delTCinsAA (p.S135N) alteration, located in exon 3 (coding exon 2) of the INF2 gene, consists of an in-frame substitution of 2 nucleotides from position 403 to 404, resulting in the insertion of <NA> residues. Based on insufficient or conflicting evidence, the clinical significance of this alteration remains unclear.

NM_022489.4(INF2):c.403_404delinsAA (p.Ser135Asn)

Gene: INF2 (inverted formin 2; plus strand). Cytogenetic location: 14q32.33.
Variant type: Indel.
Coding change: c.403_404delinsAA on transcript NM_022489.4 (MANE Select); coding-DNA positions 403 to 404, TC replaced by AA.
Protein change: p.Ser135Asn; replaces serine 135 with asparagine.
Molecular consequence: missense variant.
Genome position (GRCh38, 1-based): chr14:104,703,116-104,703,117, TC replaced by AA. VCF-style: chr14-104703116-TC-AA. GRCh37 (hg19) VCF-style: chr14-105169453-TC-AA.
Other names: c.403_404delinsAA, p.Ser135Asn (NM_001031714.4, NM_032714.3); short protein forms S135N.
Identifiers: ClinVar variation 2622235 (VCV002622235.3), dbSNP rs2504241381, ClinGen allele CA2582341780.